The following is an entry in ClinVar:

ClinVar aggregate classification (germline): Uncertain significance (1 of 4 stars; one submission).

Allele frequency attached by ClinVar (database versions not stated): gnomAD exomes below 0.00001; ExAC 0.00002.

Submission:

Labcorp Genetics (formerly Invitae), Labcorp
Classification: Uncertain significance. Last evaluated: 2022-09-06. Review status: criteria provided, single submitter. Criteria: Invitae Variant Classification Sherloc (09022015). Collection method: clinical testing. Allele origin: germline.
Comment: In summary, the available evidence is currently insufficient to determine the role of this variant in disease. Therefore, it has been classified as a Variant of Uncertain Significance. Advanced modeling of protein sequence and biophysical properties (such as structural, functional, and spatial information, amino acid conservation, physicochemical variation, residue mobility, and thermodynamic stability) performed at Invitae indicates that this missense variant is not expected to disrupt LRP5 protein function. This variant has not been reported in the literature in individuals affected with LRP5-related conditions. The frequency data for this variant in the population databases is considered unreliable, as metrics indicate poor data quality at this position in the gnomAD database. This sequence change replaces aspartic acid, which is acidic and polar, with asparagine, which is neutral and polar, at codon 191 of the LRP5 protein (p.Asp191Asn).

NM_002335.4(LRP5):c.571G>A (p.Asp191Asn)

Gene: LRP5 (LDL receptor related protein 5; plus strand). Cytogenetic location: 11q13.2.
Variant type: single nucleotide variant.
Coding change: c.571G>A on transcript NM_002335.4 (MANE Select); coding-DNA position 571, G replaced by A.
Protein change: p.Asp191Asn; replaces aspartic acid 191 with asparagine.
Molecular consequence: missense variant. On other transcripts: 5 prime UTR variant (1).
Genome position (GRCh38, 1-based): chr11:68,357,732, G>A. VCF-style: chr11-68357732-G-A. GRCh37 (hg19) VCF-style: chr11-68125200-G-A.
Other names: c.-1195G>A (NM_001291902.2); short protein forms D191N.
Identifiers: ClinVar variation 2103725 (VCV002103725.4), dbSNP rs749757604, ClinGen allele CA6149056.